The following is an entry in ClinVar:

ClinVar aggregate classification (germline): Benign. Review status: reviewed by expert panel (3 of 4 stars). 3 submissions from 3 submitters: Benign (1). 2 of the submissions do not count toward it. Last evaluated 2021-03-26.

Conditions:
Christianson syndrome (MRXSCH). Also called: SLC9A6-Related Syndromic Mental Retardation; INTELLECTUAL DEVELOPMENTAL DISORDER, X-LINKED, SYNDROMIC, CHRISTIANSON TYPE; X-linked mental retardation, syndromic, Christianson type. Identifiers: Orphanet 85278, MedGen C2678194, MONDO:0010278, OMIM 300243.

Allele frequency attached by ClinVar (database versions not stated): TOPMed below 0.00001; gnomAD 0.00001 and 0.00004; gnomAD exomes 0.00003 and 0.00006; ExAC 0.00010; 1000 Genomes Project 30x 0.00083; 1000 Genomes Project 0.00106.
gnomAD v4.1: 32 of 1,209,796 alleles (0.0026%); highest among the groups gnomAD compares: South Asian, 0.055%; no homozygotes.

Submissions (3):

ClinGen Rett and Angelman-like Disorders Variant Curation Expert Panel
Classification: Benign for Christianson syndrome. Last evaluated: 2021-03-26. Review status: reviewed by expert panel. Criteria: ClinGen RettAS ACMG Specifications V1. Collection method: curation. Allele origin: germline. Inheritance: X-linked inheritance.
Comment: The allele frequency of the p.Arg51= variant in SLC9A6 is 0.058% in South Asian sub population in gnomAD, which is high enough to be classified as benign based on thresholds defined by the ClinGen Rett/Angelman-like Expert Panel for Rett/AS-like conditions (BA1). In summary, the p.Arg51= variant in SLC9A6 is classified as benign based on the ACMG/AMP criteria (BA1).

Labcorp Genetics (formerly Invitae), Labcorp
Classification: Benign for Christianson syndrome. Last evaluated: 2024-10-10. Review status: criteria provided, single submitter. Criteria: Invitae Variant Classification Sherloc (09022015). Collection method: clinical testing. Allele origin: germline. Not counted in ClinVar's aggregate classification.

GeneDx
Classification: Likely benign. Last evaluated: 2016-09-22. Review status: criteria provided, single submitter. Criteria: GeneDx Variant Classification (06012015). Collection method: clinical testing. Allele origin: germline. Affected: yes. Not counted in ClinVar's aggregate classification.
Comment: This variant is considered likely benign or benign based on one or more of the following criteria: it is a conservative change, it occurs at a poorly conserved position in the protein, it is predicted to be benign by multiple in silico algorithms, and/or has population frequency not consistent with disease.

NM_001379110.1(SLC9A6):c.-4A>G

Gene: SLC9A6 (solute carrier family 9 member A6; plus strand). Cytogenetic location: Xq26.3.
Variant type: single nucleotide variant.
Coding change: c.-4A>G on transcript NM_001379110.1 (MANE Select); 4 bases upstream of the start codon, A replaced by G.
Molecular consequence: 5 prime UTR variant. On other transcripts: synonymous variant (2).
Genome position (GRCh38, 1-based): chrX:135,985,655, A>G. VCF-style: chrX-135985655-A-G. GRCh37 (hg19) VCF-style: chrX-135067814-A-G.
Other names: c.153A>G, p.Arg51= (NM_001042537.2, NM_006359.3); c.-4A>G (NM_001177651.2, NM_001330652.2).
Identifiers: ClinVar variation 389505 (VCV000389505.12), dbSNP rs782090744, ClinGen allele CA10524601.